The following is an entry in ClinVar:

ClinVar aggregate classification (germline): Uncertain significance (1 of 4 stars; one submission).

Submission:

Clinical Genomics Laboratory, Washington University in St. Louis
Classification: Uncertain significance. Last evaluated: 2026-04-13. Review status: criteria provided, single submitter. Criteria: ACMG Guidelines, 2015. Collection method: clinical testing. Allele origin: germline.
Comment: The TSPAN14 c.133-2A>G variant, to our knowledge, has not been reported in the medical literature and is absent from the general population (gnomAD v2.1.1), indicating it is not a common variant. This variant occurs within the canonical splice acceptor site, which is predicted to cause skipping of the exon, leading to an in-frame transcript. Due to limited information, the clinical significance of this variant is uncertain.

NM_030927.4(TSPAN14):c.133-2A>G

Gene: TSPAN14 (tetraspanin 14; plus strand). Cytogenetic location: 10q23.1.
Variant type: single nucleotide variant.
Coding change: c.133-2A>G on transcript NM_030927.4 (MANE Select); the canonical splice acceptor site of the intron before coding-DNA position 133, A replaced by G.
Molecular consequence: splice acceptor variant. On other transcripts: intron variant (1).
Genome position (GRCh38, 1-based): chr10:80,507,226, A>G. VCF-style: chr10-80507226-A-G. GRCh37 (hg19) VCF-style: chr10-82266982-A-G.
Other names: c.133-2A>G (NM_001351267.4, NM_001351268.2, NM_001351266.2 and 4 more transcripts); c.82-4918A>G (NM_001128309.3).
Identifiers: ClinVar variation 4879272 (VCV004879272.1).